The following is an entry in ClinVar:

NM_005359.6(SMAD4):c.463A>G (p.Ser155Gly)

Gene: SMAD4 (SMAD family member 4; plus strand). Cytogenetic location: 18q21.2.
Variant type: single nucleotide variant.
Coding change: c.463A>G on transcript NM_005359.6 (MANE Select); coding-DNA position 463, A replaced by G.
Protein change: p.Ser155Gly; replaces serine 155 with glycine.
Molecular consequence: missense variant.
Genome position (GRCh38, 1-based): chr18:51,054,789, A>G. VCF-style: chr18-51054789-A-G. GRCh37 (hg19) VCF-style: chr18-48581159-A-G.
Other names: short protein forms S155G.
Identifiers: ClinVar variation 374977 (VCV000374977.18), dbSNP rs1057519259, ClinGen allele CA16043999.

ClinVar aggregate classification (germline): Conflicting classifications of pathogenicity. Review status: criteria provided, conflicting classifications (1 of 4 stars). 5 submissions from 5 submitters: Uncertain significance (3); Likely benign (1). 1 of the submissions does not count toward it. Last evaluated 2026-05-05.

Conditions:
Familial thoracic aortic aneurysm and aortic dissection (TAAD). Also called: Thoracic aortic aneurysms and dissections. Identifiers: Orphanet 91387, MedGen C4707243, MONDO:0019625.
Hereditary cancer-predisposing syndrome. Also called: Hereditary Cancer Syndrome; Tumor predisposition; Hereditary neoplastic syndrome; Neoplastic Syndromes, Hereditary. Identifiers: Orphanet 140162, MedGen C0027672, MeSH D009386, MONDO:0015356.
Juvenile polyposis syndrome (JPS). Identifiers: Orphanet 2929, MedGen C0345893, MONDO:0017380, OMIM 174900.
Juvenile polyposis/hereditary hemorrhagic telangiectasia syndrome (JPHT). Also called: POLYPOSIS, GENERALIZED JUVENILE, WITH PULMONARY ARTERIOVENOUS MALFORMATION; TELANGIECTASIA, HEREDITARY HEMORRHAGIC, WITH JUVENILE POLYPOSIS COLI; JP/HHT SYNDROME; JUVENILE POLYPOSIS WITH HEREDITARY HEMORRHAGIC TELANGIECTASIA; Juvenile Polyposis Syndrome / Hereditary Hemorrhagic Telangiectasia (JPS/HHT). Identifiers: Orphanet 2929, MedGen C1832942, MONDO:0008278, OMIM 175050.

Allele frequency attached by ClinVar (database versions not stated): gnomAD exomes below 0.00001.
gnomAD v4.1: 3 of 1,594,076 alleles (0.00019%); highest among the groups gnomAD compares: East Asian, 0.0022%; no homozygotes.

Submissions (5):

Ambry Genetics
Classification: Likely benign for Hereditary cancer-predisposing syndrome; Familial thoracic aortic aneurysm and aortic dissection. Last evaluated: 2026-05-05. Review status: criteria provided, single submitter. Criteria: Ambry Variant Classification Scheme 2023. Collection method: clinical testing. Allele origin: germline.

Labcorp Genetics (formerly Invitae), Labcorp
Classification: Uncertain significance for Juvenile polyposis syndrome. Last evaluated: 2025-07-21. Review status: criteria provided, single submitter. Criteria: Invitae Variant Classification Sherloc (09022015). Collection method: clinical testing. Allele origin: germline.
Comment: This sequence change replaces serine, which is neutral and polar, with glycine, which is neutral and non-polar, at codon 155 of the SMAD4 protein (p.Ser155Gly). This variant is present in population databases (no rsID available, gnomAD 0.0009%). This missense change has been observed in individual(s) with vascular anomalies (PMID: 28655553). ClinVar contains an entry for this variant (Variation ID: 374977). Invitae Evidence Modeling of protein sequence and biophysical properties (such as structural, functional, and spatial information, amino acid conservation, physicochemical variation, residue mobility, and thermodynamic stability) indicates that this missense variant is not expected to disrupt SMAD4 protein function with a negative predictive value of 95%. In summary, the available evidence is currently insufficient to determine the role of this variant in disease. Therefore, it has been classified as a Variant of Uncertain Significance.

All of Us Research Program, National Institutes of Health
Classification: Uncertain significance for Juvenile polyposis/hereditary hemorrhagic telangiectasia syndrome. Last evaluated: 2024-08-06. Review status: criteria provided, single submitter. Criteria: ACMG Guidelines, 2015. Collection method: clinical testing. Allele origin: germline. Inheritance: Autosomal dominant inheritance. Observed: 3 variant alleles, 3 heterozygotes.
Comment: This missense variant replaces serine with glycine at codon 155 of the SMAD4 protein. Computational prediction suggests that this variant may not impact protein structure and function (internally defined REVEL score threshold <= 0.5, PMID: 27666373). To our knowledge, functional studies have not been reported for this variant. This variant has not been reported in individuals affected with SMAD4-related disorders in the literature. This variant has been identified in 1/251376 chromosomes in the general population by the Genome Aggregation Database (gnomAD). The available evidence is insufficient to determine the role of this variant in disease conclusively. Therefore, this variant is classified as a Variant of Uncertain Significance.

This study involves interpretation of variants in research participants for the purpose of population health screening. Participant phenotype was not available at the time of variant classification. Additional details can be found in publication PMID: 35346344, PMCID: PMC8962531

Color Diagnostics, LLC DBA Color Health
Classification: Uncertain significance for Hereditary cancer-predisposing syndrome. Last evaluated: 2023-10-19. Review status: criteria provided, single submitter. Criteria: ACMG Guidelines, 2015. Collection method: clinical testing. Allele origin: germline.
Comment: This missense variant replaces serine with glycine at codon 155 of the SMAD4 protein. Computational prediction suggests that this variant may not impact protein structure and function (internally defined REVEL score threshold <= 0.5, PMID: 27666373). To our knowledge, functional studies have not been reported for this variant. This variant has not been reported in individuals affected with SMAD4-related disorders in the literature. This variant has been identified in 1/251376 chromosomes in the general population by the Genome Aggregation Database (gnomAD). The available evidence is insufficient to determine the role of this variant in disease conclusively. Therefore, this variant is classified as a Variant of Uncertain Significance.

Knight Diagnostic Laboratories, Oregon Health and Sciences University
Classification: Uncertain significance for Juvenile polyposis/hereditary hemorrhagic telangiectasia syndrome. Last evaluated: 2016-01-27. Review status: no assertion criteria provided. Criteria: ACMG Guidelines, 2015. Collection method: clinical testing. Allele origin: germline. Affected: no. Study: CSER-NextGen. Not counted in ClinVar's aggregate classification.

Literature cited by the submitters: PubMed 28655553 (cited by Labcorp Genetics (formerly Invitae), Labcorp).